The following is an entry in ClinVar:

NM_015488.5(PNKD):c.233C>T (p.Ala78Val)

Gene: PNKD (PNKD metallo-beta-lactamase domain containing; plus strand). Cytogenetic location: 2q35.
Variant type: single nucleotide variant.
Coding change: c.233C>T on transcript NM_015488.5 (MANE Select); coding-DNA position 233, C replaced by T.
Protein change: p.Ala78Val; replaces alanine 78 with valine.
Molecular consequence: missense variant.
Genome position (GRCh38, 1-based): chr2:218,271,546, C>T. VCF-style: chr2-218271546-C-T. GRCh37 (hg19) VCF-style: chr2-219136269-C-T.
Other names: c.233C>T, p.Ala78Val (NM_001077399.3); short protein forms A78V.
Identifiers: ClinVar variation 468625 (VCV000468625.11), dbSNP rs1201792156, ClinGen allele CA350544931.

ClinVar aggregate classification (germline): Uncertain significance. Review status: criteria provided, multiple submitters, no conflicts (2 of 4 stars). 2 submissions from 2 submitters: Uncertain significance (2). Last evaluated 2025-05-13.

Conditions:
Paroxysmal nonkinesigenic dyskinesia. Also called: Paroxysmal non-kinesigenic dyskinesia. Identifiers: Orphanet 98810, MedGen C1869117, MONDO:0700088.
Inborn genetic diseases. Identifiers: MedGen C0950123, MeSH D030342.

Allele frequency attached by ClinVar (database versions not stated): gnomAD exomes below 0.00001.
gnomAD v4.1: 1 of 1,613,980 alleles (0.000062%); highest among the groups gnomAD compares: Admixed American, 0.0017%; no homozygotes.

Submissions (2):

Ambry Genetics
Classification: Uncertain significance for Inborn genetic diseases. Last evaluated: 2025-05-13. Review status: criteria provided, single submitter. Criteria: Ambry Variant Classification Scheme 2023. Collection method: clinical testing. Allele origin: germline.

Labcorp Genetics (formerly Invitae), Labcorp
Classification: Uncertain significance for Paroxysmal nonkinesigenic dyskinesia. Last evaluated: 2023-01-07. Review status: criteria provided, single submitter. Criteria: Invitae Variant Classification Sherloc (09022015). Collection method: clinical testing. Allele origin: germline.
Comment: This sequence change replaces alanine, which is neutral and non-polar, with valine, which is neutral and non-polar, at codon 78 of the PNKD protein (p.Ala78Val). This variant is present in population databases (no rsID available, gnomAD 0.003%). This variant has not been reported in the literature in individuals affected with PNKD-related conditions. ClinVar contains an entry for this variant (Variation ID: 468625). Algorithms developed to predict the effect of missense changes on protein structure and function are either unavailable or do not agree on the potential impact of this missense change (SIFT: "Deleterious"; PolyPhen-2: "Benign"; Align-GVGD: "Class C0"). In summary, the available evidence is currently insufficient to determine the role of this variant in disease. Therefore, it has been classified as a Variant of Uncertain Significance.